The following is an entry in ClinVar:

NM_025114.4(CEP290):c.2518A>T (p.Ile840Leu)

Gene: CEP290 (centrosomal protein 290; minus strand). Cytogenetic location: 12q21.32.
Variant type: single nucleotide variant.
Coding change: c.2518A>T on transcript NM_025114.4 (MANE Select); coding-DNA position 2518, A replaced by T.
Protein change: p.Ile840Leu; replaces isoleucine 840 with leucine.
Molecular consequence: missense variant.
Genome position (GRCh38, 1-based): chr12:88,107,064, T>A on the plus strand (A>T on the coding strand, the complement: CEP290 is on the minus strand). VCF-style: chr12-88107064-T-A. GRCh37 (hg19) VCF-style: chr12-88500841-T-A.
Other names: c.2518A>T (NM_025114.3); short protein forms I840L.
Identifiers: ClinVar variation 2167137 (VCV002167137.3), dbSNP rs1327835175, ClinGen allele CA385972017.

ClinVar aggregate classification (germline): Conflicting classifications of pathogenicity. Review status: criteria provided, conflicting classifications (1 of 4 stars). 3 submissions from 3 submitters: Uncertain significance (2); Likely benign (1). Last evaluated 2025-02-13.

Conditions:
Inborn genetic diseases. Identifiers: MedGen C0950123, MeSH D030342.
Nephronophthisis. Also called: Juvenile Nephronophthisis. Identifiers: Orphanet 655, MedGen C0687120, MONDO:0019005, HP:0000090.
Joubert syndrome. Also called: Familial aplasia of the vermis; JOUBERT-BOLTSHAUSER SYNDROME. Identifiers: Orphanet 475, MedGen C5979921, MONDO:0018772.
Meckel-Gruber syndrome. Also called: Dysencephalia splachnocystica; DYSENCEPHALIA SPLANCHNOCYSTICA; GRUBER SYNDROME. Identifiers: Orphanet 564, MedGen C0265215, MONDO:0018921.

Allele frequency attached by ClinVar (database versions not stated): TOPMed below 0.00001; gnomAD exomes 0.00001.
gnomAD v4.1: 14 of 1,553,512 alleles (0.0009%); highest among the groups gnomAD compares: Middle Eastern, 0.036%; no homozygotes.

Submissions (3):

Ambry Genetics
Classification: Uncertain significance for Inborn genetic diseases. Last evaluated: 2025-02-13. Review status: criteria provided, single submitter. Criteria: Ambry Variant Classification Scheme 2023. Collection method: clinical testing. Allele origin: germline.

Blueprint Genetics
Classification: Likely benign. Last evaluated: 2023-11-06. Review status: criteria provided, single submitter. Criteria: ACMG Guidelines, 2015. Collection method: clinical testing. Allele origin: germline.

Labcorp Genetics (formerly Invitae), Labcorp
Classification: Uncertain significance for Joubert syndrome; Meckel-Gruber syndrome; Nephronophthisis. Last evaluated: 2022-07-05. Review status: criteria provided, single submitter. Criteria: Invitae Variant Classification Sherloc (09022015). Collection method: clinical testing. Allele origin: germline.
Comment: This sequence change replaces isoleucine, which is neutral and non-polar, with leucine, which is neutral and non-polar, at codon 840 of the CEP290 protein (p.Ile840Leu). This variant is present in population databases (no rsID available, gnomAD 0.001%). This variant has not been reported in the literature in individuals affected with CEP290-related conditions. Algorithms developed to predict the effect of missense changes on protein structure and function output the following: SIFT: "Tolerated"; PolyPhen-2: "Benign"; Align-GVGD: "Class C0". The leucine amino acid residue is found in multiple mammalian species, which suggests that this missense change does not adversely affect protein function. In summary, the available evidence is currently insufficient to determine the role of this variant in disease. Therefore, it has been classified as a Variant of Uncertain Significance.